The following is an entry in ClinVar:

NM_001005373.4(LRSAM1):c.322-2_322-1insACGTGGAAA

Gene: LRSAM1 (leucine rich repeat and sterile alpha motif containing 1; plus strand). Cytogenetic location: 9q33.3.
Variant type: Insertion.
Coding change: c.322-2_322-1insACGTGGAAA on transcript NM_001005373.4 (MANE Select); the canonical splice acceptor site of the intron before coding-DNA position 322, ACGTGGAAA inserted.
Molecular consequence: splice acceptor variant.
Genome position: GRCh38 VCF-style: chr9-127461170-T-TAACGTGGAA. GRCh37 (hg19) VCF-style: chr9-130223449-T-TAACGTGGAA.
Other names: c.322-2_322-1insACGTGGAAA (NM_138361.5, NM_001384142.1, NM_001384143.1 and 2 more transcripts); c.-463-2_-463-1insACGTGGAAA (NM_001384144.1).
Identifiers: ClinVar variation 2022382 (VCV002022382.4), dbSNP rs2475867708, ClinGen allele CA2580079568.
Genomic context (GRCh38, chr9:127,461,170, plus strand): 5'-TCCCAAAGTGCTGGGATTACAGGCATAAGCCACTGCGCCTGGCTGCCTCTTCCTCTTTCT[T>TAACGTGGAA]AGGTCTTAAACGTGGAAAGGAATCAACTGATGCAGCTCCCACGTTCCATTGGGAACCTGA-3'

ClinVar aggregate classification (germline): Uncertain significance (1 of 4 stars; one submission).

Conditions:
Charcot-Marie-Tooth disease axonal type 2P. Also called: CHARCOT-MARIE-TOOTH NEUROPATHY, TYPE 2P; Charcot-Marie-Tooth Neuropathy Type 2G; CHARCOT-MARIE-TOOTH DISEASE, AXONAL, TYPE 2G; CMT 2G. Identifiers: Orphanet 300319, Orphanet 99941, MedGen C3280797, MONDO:0013753, OMIM 614436.

Submission:

Labcorp Genetics (formerly Invitae), Labcorp
Classification: Uncertain significance for Charcot-Marie-Tooth disease axonal type 2P. Last evaluated: 2022-08-07. Review status: criteria provided, single submitter. Criteria: Invitae Variant Classification Sherloc (09022015). Collection method: clinical testing. Allele origin: germline.
Comment: This variant is not present in population databases (gnomAD no frequency). This sequence change falls in intron 6 of the LRSAM1 gene. It does not directly change the encoded amino acid sequence of the LRSAM1 protein. It affects a nucleotide within the consensus splice site. This variant has not been reported in the literature in individuals affected with LRSAM1-related conditions. In summary, the available evidence is currently insufficient to determine the role of this variant in disease. Therefore, it has been classified as a Variant of Uncertain Significance. Variants that disrupt the consensus splice site are a relatively common cause of aberrant splicing (PMID: 17576681, 9536098). Algorithms developed to predict the effect of sequence changes on RNA splicing suggest that this variant may disrupt the consensus splice site.

Literature cited by the submitters: PubMed 17576681; PubMed 9536098.